The following is an entry in ClinVar:

ClinVar aggregate classification (germline): Uncertain significance (1 of 4 stars; one submission).

Conditions:
Hereditary cancer-predisposing syndrome. Also called: Tumor predisposition; Neoplastic Syndromes, Hereditary; Hereditary neoplastic syndrome; Hereditary Cancer Syndrome. Identifiers: Orphanet 140162, MedGen C0027672, MeSH D009386, MONDO:0015356.

Submission:

Ambry Genetics
Classification: Uncertain significance for Hereditary cancer-predisposing syndrome. Last evaluated: 2025-08-27. Review status: criteria provided, single submitter. Criteria: Ambry Variant Classification Scheme 2023. Collection method: clinical testing. Allele origin: germline.
Comment: The p.A419G variant (also known as c.1256C>G), located in coding exon 13 of the MUTYH gene, results from a C to G substitution at nucleotide position 1256. The alanine at codon 419 is replaced by glycine, an amino acid with similar properties. This amino acid position is conserved. In addition, the in silico prediction for this alteration is inconclusive. Based on the available evidence, the clinical significance of this variant remains unclear.

NM_001048174.2(MUTYH):c.1172C>G (p.Ala391Gly)

Gene: MUTYH (mutY DNA glycosylase; minus strand). Cytogenetic location: 1p34.1.
Variant type: single nucleotide variant.
Coding change: c.1172C>G on transcript NM_001048174.2 (MANE Select); coding-DNA position 1172, C replaced by G.
Protein change: p.Ala391Gly; replaces alanine 391 with glycine.
Molecular consequence: missense variant. On other transcripts: non-coding transcript variant (7).
Genome position (GRCh38, 1-based): chr1:45,331,487, G>C on the plus strand (C>G on the coding strand, the complement: MUTYH is on the minus strand). VCF-style: chr1-45331487-G-C. GRCh37 (hg19) VCF-style: chr1-45797159-G-C.
Other names: c.1205C>G, p.Ala402Gly (NM_001293191.2, NM_001407069.1, NM_001407077.1); c.896C>G, p.Ala299Gly (NM_001293192.2, NM_001293196.2, NM_001407091.1); c.1172C>G, p.Ala391Gly (NM_001293195.2, NM_001407070.1, NM_001407088.1 and 6 more transcripts); c.827C>G, p.Ala276Gly (NM_001350650.2, NM_001350651.2, NM_001407082.1); c.1175C>G, p.Ala392Gly (NM_001407071.1, NM_001407086.1, NM_001048172.2 and 1 more transcripts); c.1214C>G, p.Ala405Gly (NM_001407085.1, NM_001407083.1); c.1193C>G, p.Ala398Gly (NM_001407087.1); c.1247C>G, p.Ala416Gly (NM_012222.3); and 5 more; short protein forms A363G, A391G, A416G, A299G, A378G, A392G, A402G, A405G.
Identifiers: ClinVar variation 4113136 (VCV004113136.1).